The following is an entry in ClinVar:

ClinVar aggregate classification (germline): Uncertain significance (1 of 4 stars; one submission).

Submission:

Greenwood Genetic Center Diagnostic Laboratories, Greenwood Genetic Center
Classification: Uncertain significance. Last evaluated: 2024-12-19. Review status: criteria provided, single submitter. Criteria: ACMG Guidelines, 2015. Collection method: clinical testing. Allele origin: germline. Affected: yes.
Comment: Gene of Uncertain Significance

NM_014503.3(UTP20):c.4108G>A (p.Glu1370Lys)

Gene: UTP20 (UTP20 small subunit processome component; plus strand). Cytogenetic location: 12q23.2.
Variant type: single nucleotide variant.
Coding change: c.4108G>A on transcript NM_014503.3 (MANE Select); coding-DNA position 4108, G replaced by A.
Protein change: p.Glu1370Lys; replaces glutamic acid 1370 with lysine.
Molecular consequence: missense variant.
Genome position (GRCh38, 1-based): chr12:101,342,452, G>A. VCF-style: chr12-101342452-G-A. GRCh37 (hg19) VCF-style: chr12-101736230-G-A.
Other names: short protein forms E1370K.
Identifiers: ClinVar variation 3765836 (VCV003765836.1).